The following is an entry in ClinVar:

ClinVar aggregate classification (germline): Uncertain significance (1 of 4 stars; one submission).

gnomAD v4.1: 2 of 1,613,332 alleles (0.00012%); highest among the groups gnomAD compares: African/African-American, 0.0027%; no homozygotes.

Submission:

Labcorp Genetics (formerly Invitae), Labcorp
Classification: Uncertain significance. Last evaluated: 2024-03-03. Review status: criteria provided, single submitter. Criteria: Invitae Variant Classification Sherloc (09022015). Collection method: clinical testing. Allele origin: germline.
Comment: This sequence change replaces serine, which is neutral and polar, with proline, which is neutral and non-polar, at codon 731 of the MAGEL2 protein (p.Ser731Pro). This variant is present in population databases (no rsID available, gnomAD 0.007%). This variant has not been reported in the literature in individuals affected with MAGEL2-related conditions. Advanced modeling of protein sequence and biophysical properties (such as structural, functional, and spatial information, amino acid conservation, physicochemical variation, residue mobility, and thermodynamic stability) performed at Invitae indicates that this missense variant is not expected to disrupt MAGEL2 protein function with a negative predictive value of 80%. In summary, the available evidence is currently insufficient to determine the role of this variant in disease. Therefore, it has been classified as a Variant of Uncertain Significance.

NM_019066.5(MAGEL2):c.2191T>C (p.Ser731Pro)

Gene: MAGEL2 (MAGE family member L2; minus strand). Cytogenetic location: 15q11.2.
Variant type: single nucleotide variant.
Coding change: c.2191T>C on transcript NM_019066.5 (MANE Select); coding-DNA position 2191, T replaced by C.
Protein change: p.Ser731Pro; replaces serine 731 with proline.
Molecular consequence: missense variant.
Genome position (GRCh38, 1-based): chr15:23,645,552, A>G on the plus strand (T>C on the coding strand, the complement: MAGEL2 is on the minus strand). VCF-style: chr15-23645552-A-G. GRCh37 (hg19) VCF-style: chr15-23890699-A-G.
Other names: short protein forms S731P.
Identifiers: ClinVar variation 3611689 (VCV003611689.2).